The following is an entry in ClinVar:

ClinVar aggregate classification (germline): Uncertain significance (1 of 4 stars; one submission).

Allele frequency attached by ClinVar (database versions not stated): TOPMed below 0.00001; gnomAD 0.00001.

Submission:

Labcorp Genetics (formerly Invitae), Labcorp
Classification: Uncertain significance. Last evaluated: 2023-04-18. Review status: criteria provided, single submitter. Criteria: Invitae Variant Classification Sherloc (09022015). Collection method: clinical testing. Allele origin: germline.
Comment: In summary, the available evidence is currently insufficient to determine the role of this variant in disease. Therefore, it has been classified as a Variant of Uncertain Significance. This variant has not been reported in the literature in individuals affected with MATN3-related conditions. This variant is not present in population databases (gnomAD no frequency). This sequence change creates a premature translational stop signal (p.Arg42*) in the MATN3 gene. It is expected to result in an absent or disrupted protein product. However, the current clinical and genetic evidence is not sufficient to establish whether loss-of-function variants in MATN3 cause disease.

NM_002381.5(MATN3):c.124C>T (p.Arg42Ter)

Gene: MATN3 (matrilin 3; minus strand). Cytogenetic location: 2p24.1.
Variant type: single nucleotide variant.
Coding change: c.124C>T on transcript NM_002381.5 (MANE Select); coding-DNA position 124, C replaced by T.
Protein change: p.Arg42Ter; replaces arginine 42 with a stop codon.
Molecular consequence: nonsense.
Genome position (GRCh38, 1-based): chr2:20,012,508, G>A on the plus strand (C>T on the coding strand, the complement: MATN3 is on the minus strand). VCF-style: chr2-20012508-G-A. GRCh37 (hg19) VCF-style: chr2-20212269-G-A.
Other names: short protein forms R42*.
Identifiers: ClinVar variation 2792727 (VCV002792727.3), dbSNP rs1673238746, ClinGen allele CA345951744.